The following is an entry in ClinVar:

ClinVar aggregate classification (germline): Conflicting classifications of pathogenicity. Review status: criteria provided, conflicting classifications (1 of 4 stars). 2 submissions from 2 submitters: Uncertain significance (1); Benign (1). Last evaluated 2025-05-14.

Conditions:
Tuberous sclerosis 2 (TSC2). Identifiers: Orphanet 805, MedGen C1860707, MONDO:0013199, OMIM 613254.

Submissions (2):

Myriad Genetics, Inc.
Classification: Benign for Tuberous sclerosis 2. Last evaluated: 2025-05-14. Review status: criteria provided, single submitter. Criteria: Myriad Autosomal Dominant, Autosomal Recessive and X-Linked Classification Criteria (2023). Collection method: clinical testing. Allele origin: unknown.
Comment: This variant is considered benign. This variant is a silent/synonymous amino acid change and it is not expected to impact splicing.

Labcorp Genetics (formerly Invitae), Labcorp
Classification: Uncertain significance for Tuberous sclerosis 2. Last evaluated: 2022-04-25. Review status: criteria provided, single submitter. Criteria: Invitae Variant Classification Sherloc (09022015). Collection method: clinical testing. Allele origin: germline.
Comment: In summary, the available evidence is currently insufficient to determine the role of this variant in disease. Therefore, it has been classified as a Variant of Uncertain Significance. Algorithms developed to predict the effect of sequence changes on RNA splicing suggest that this variant may disrupt the consensus splice site. This variant has not been reported in the literature in individuals affected with TSC2-related conditions. This variant is not present in population databases (gnomAD no frequency). This sequence change affects codon 489 of the TSC2 mRNA. It is a 'silent' change, meaning that it does not change the encoded amino acid sequence of the TSC2 protein.

NM_000548.5(TSC2):c.1467C>G (p.Val489=)

Gene: TSC2 (TSC complex subunit 2; plus strand). Cytogenetic location: 16p13.3.
Variant type: single nucleotide variant.
Coding change: c.1467C>G on transcript NM_000548.5 (MANE Select); coding-DNA position 1467, C replaced by G.
Protein change: p.Val489=; no amino-acid change (valine 489 retained).
Molecular consequence: synonymous variant. On other transcripts: 5 prime UTR variant (1), non-coding transcript variant (5).
Genome position (GRCh38, 1-based): chr16:2,064,295, C>G. VCF-style: chr16-2064295-C-G. GRCh37 (hg19) VCF-style: chr16-2114296-C-G.
Other names: c.1467C>G, p.Val489= (NM_001077183.3, NM_001114382.3, NM_001363528.2 and 6 more transcripts); c.1356C>G, p.Val452= (NM_001318827.2, NM_001406670.1, NM_001406678.1); c.1320C>G, p.Val440= (NM_001318829.2, NM_001406675.1, NM_001406676.1 and 1 more transcripts); c.867C>G, p.Val289= (NM_001318831.2, NM_001406680.1, NM_001406682.1 and 6 more transcripts); c.1500C>G, p.Val500= (NM_001318832.2); c.1557C>G, p.Val519= (NM_001406667.1, NM_001406668.1); c.1455C>G, p.Val485= (NM_001406671.1, NM_001406673.1); c.1410C>G, p.Val470= (NM_001406677.1); and 3 more.
Identifiers: ClinVar variation 2127387 (VCV002127387.5), dbSNP rs2151188723, ClinGen allele CA492962864.
Genomic context (GRCh38, chr16:2,064,295, plus strand): 5'-GGGCTGGCGCTCATTGGCCTCCCTTGTGCCTGTGCAGGAGGAGCTGATTAACTCAGTGGT[C>G]ATCTCGCAGCTCTCCCACATCCCCGAGGATAAAGACCACCAGGTCCGAAAGCTGGCCACC-3'
Protein context (NP_000539.2, residues 479-499): FYEEELINSV[Val489=]ISQLSHIPED